The following is an entry in ClinVar:

ClinVar aggregate classification (germline): Uncertain significance (1 of 4 stars; one submission).

Conditions:
Hereditary cancer-predisposing syndrome. Also called: Tumor predisposition; Neoplastic Syndromes, Hereditary; Hereditary Cancer Syndrome; Hereditary neoplastic syndrome. Identifiers: Orphanet 140162, MedGen C0027672, MeSH D009386, MONDO:0015356.

Submission:

Ambry Genetics
Classification: Uncertain significance for Hereditary cancer-predisposing syndrome. Last evaluated: 2024-10-14. Review status: criteria provided, single submitter. Criteria: Ambry Variant Classification Scheme 2023. Collection method: clinical testing. Allele origin: germline.
Comment: The p.S108L variant (also known as c.323C>T), located in coding exon 3 of the FANCC gene, results from a C to T substitution at nucleotide position 323. The serine at codon 108 is replaced by leucine, an amino acid with dissimilar properties. This amino acid position is conserved. In addition, this alteration is predicted to be tolerated by in silico analysis. Based on the available evidence, the clinical significance of this variant remains unclear.

NM_000136.3(FANCC):c.323C>T (p.Ser108Leu)

Gene: FANCC (FA complementation group C; minus strand). Cytogenetic location: 9q22.32.
Variant type: single nucleotide variant.
Coding change: c.323C>T on transcript NM_000136.3 (MANE Select); coding-DNA position 323, C replaced by T.
Protein change: p.Ser108Leu; replaces serine 108 with leucine.
Molecular consequence: missense variant.
Genome position (GRCh38, 1-based): chr9:95,240,671, G>A on the plus strand (C>T on the coding strand, the complement: FANCC is on the minus strand). VCF-style: chr9-95240671-G-A. GRCh37 (hg19) VCF-style: chr9-98002953-G-A.
Other names: c.323C>T, p.Ser108Leu (NM_001243743.2, NM_001243744.2); short protein forms S108L.
Identifiers: ClinVar variation 3512797 (VCV003512797.1).
Genomic context (GRCh38, chr9:95,240,671, plus strand): 5'-TAATTCAAAGAAGTGCAGAGCAAGATTTACTCTCTTACCTGTATCCAGGAGTTAAGTTTT[G>A]ATTGTCCAGAATTCTGTGGTTCTTTGTTAATTAGACAACATAAGCACCATATTAGAATTT-3'
Protein context (NP_000127.2, residues 98-118): INKEPQNSGQ[Ser108Leu]KLNSWIQGVL